The following is an entry in ClinVar:

NM_001394998.1(TANC2):c.3289C>T (p.Arg1097Ter)

Genes: TANC2 (tetratricopeptide repeat, ankyrin repeat and coiled-coil containing 2; plus strand), LOC105371856 (uncharacterized LOC105371856; minus strand). Cytogenetic location: 17q23.3.
Variant type: single nucleotide variant.
Coding change: c.3289C>T on transcript NM_001394998.1 (MANE Select); coding-DNA position 3289, C replaced by T.
Protein change: p.Arg1097Ter; replaces arginine 1097 with a stop codon.
Molecular consequence: nonsense.
Genome position (GRCh38, 1-based): chr17:63,398,872, C>T. VCF-style: chr17-63398872-C-T. GRCh37 (hg19) VCF-style: chr17-61476233-C-T.
Other names: NC_000017.10:g.61476233C>T; c.3067C>T, p.Arg1023Ter (NM_001411076.1, NM_025185.4); short protein forms R1023*, R1097*.
Identifiers: ClinVar variation 3778729 (VCV003778729.2).

ClinVar aggregate classification (germline): Likely pathogenic (1 of 4 stars; one submission).

Conditions:
Intellectual developmental disorder with autistic features and language delay, with or without seizures. Identifiers: MedGen C5394447, MONDO:0030051, OMIM 618906.

gnomAD v4.1: 1 of 1,598,262 alleles (0.000063%); highest among the groups gnomAD compares: Non-Finnish European, 0.000085%; no homozygotes.

Submissions (3):

Institute of Human Genetics, University of Leipzig Medical Center
Classification: Likely pathogenic for Intellectual developmental disorder with autistic features and language delay, with or without seizures. Last evaluated: 2025-03-13. Review status: criteria provided, single submitter. Criteria: ACMG Guidelines, 2015. Collection method: clinical testing. Allele origin: unknown. Inheritance: Autosomal dominant inheritance. Affected: yes.
Comment: Criteria applied: PVS1,PM2_SUP

Dr. Peter K. Rogan Lab, Western University
No classification provided (evidence only). Condition: Thyroid cancer, nonmedullary, 1. Review status: no classification provided. Collection method: in vitro. Allele origin: not applicable. Functional consequence: retained intron. Not counted in ClinVar's aggregate classification.

Dr. Peter K. Rogan Lab, Western University
No classification provided (evidence only). Condition: Hepatocellular carcinoma. Review status: no classification provided. Collection method: in vitro. Allele origin: not applicable. Functional consequence: retained intron. Not counted in ClinVar's aggregate classification.